The following is an entry in ClinVar:

NM_000291.4(PGK1):c.872A>G (p.Lys291Arg)

Gene: PGK1 (phosphoglycerate kinase 1; plus strand). Cytogenetic location: Xq21.1.
Variant type: single nucleotide variant.
Coding change: c.872A>G on transcript NM_000291.4 (MANE Select); coding-DNA position 872, A replaced by G.
Protein change: p.Lys291Arg; replaces lysine 291 with arginine.
Molecular consequence: missense variant.
Genome position (GRCh38, 1-based): chrX:78,123,310, A>G. VCF-style: chrX-78123310-A-G. GRCh37 (hg19) VCF-style: chrX-77378807-A-G.
Other names: short protein forms K291R.
Identifiers: ClinVar variation 452151 (VCV000452151.12), dbSNP rs1187663822, ClinGen allele CA413716782.

ClinVar aggregate classification (germline): Uncertain significance. Review status: criteria provided, multiple submitters, no conflicts (2 of 4 stars). 2 submissions from 2 submitters: Uncertain significance (2). Last evaluated 2024-05-31.

Conditions:
Glycogen storage disease due to phosphoglycerate kinase 1 deficiency. Also called: PGK1 DEFICIENCY; PHOSPHOGLYCERATE KINASE 1 DEFICIENCY WITH LEVO-DOPA-RESPONSIVE PARKINSONISM. Identifiers: Orphanet 713, MedGen C1970848, MONDO:0010392, OMIM 300653.

Allele frequency attached by ClinVar (database versions not stated): gnomAD 0.00001; TOPMed 0.00001; gnomAD exomes 0.00002.
gnomAD v4.1: 13 of 1,207,909 alleles (0.0011%); highest among the groups gnomAD compares: Non-Finnish European, 0.0015%; no homozygotes.

Submissions (2):

GeneDx
Classification: Uncertain significance. Last evaluated: 2024-05-31. Review status: criteria provided, single submitter. Criteria: GeneDx Variant Classification Process June 2021. Collection method: clinical testing. Allele origin: germline. Affected: yes.
Comment: In silico analysis supports that this missense variant has a deleterious effect on protein structure/function; Has not been previously published as pathogenic or benign to our knowledge

ARUP Laboratories, Molecular Genetics and Genomics, ARUP Laboratories
Classification: Uncertain significance for Glycogen storage disease due to phosphoglycerate kinase 1 deficiency. Last evaluated: 2018-09-21. Review status: criteria provided, single submitter. Criteria: ARUP Molecular Germline Variant Investigation Process. Collection method: clinical testing. Allele origin: germline.